The following is an entry in ClinVar:

NM_001365536.1(SCN9A):c.3827A>T (p.Asn1276Ile)

Genes: SCN1A-AS1 (SCN1A and SCN9A antisense RNA 1; plus strand), SCN9A (sodium voltage-gated channel alpha subunit 9; minus strand). Cytogenetic location: 2q24.3.
Variant type: single nucleotide variant.
Coding change: c.3827A>T on transcript NM_001365536.1 (MANE Select); coding-DNA position 3827, A replaced by T.
Protein change: p.Asn1276Ile; replaces asparagine 1276 with isoleucine.
Molecular consequence: missense variant.
Genome position (GRCh38, 1-based): chr2:166,233,437, T>A on the plus strand (A>T on the coding strand, the complement: SCN9A is on the minus strand). VCF-style: chr2-166233437-T-A. GRCh37 (hg19) VCF-style: chr2-167089947-T-A.
Other names: c.3794A>T, p.Asn1265Ile (NM_002977.4); short protein forms N1276I, N1265I.
Identifiers: ClinVar variation 648989 (VCV000648989.9), dbSNP rs1574771511, ClinGen allele CA349066655.
Genomic context (GRCh38, chr2:166,233,437, plus strand): 5'-CTTAAAGCTCTCAGTGTCCGAAGGGATTTAATGGGGCCAAGATCTGAGTAGCCAAGAGTG[T>A]TTGCCACTAAAGTAACCAAAGAAACCTATAAAAATAACATTTTCATTAATTGTGTCAATA-3'
Protein context (NP_001352465.1, residues 1266-1286): VDVSLVTLVA[Asn1276Ile]TLGYSDLGPI

ClinVar aggregate classification (germline): Uncertain significance (1 of 4 stars; one submission).

Conditions:
Neuropathy, hereditary sensory and autonomic, type 2A (HSAN2A). Also called: WNK1-Related HSAN2 (HSAN2A); MORVAN DISEASE; NEUROPATHY, CONGENITAL SENSORY; NEUROPATHY, HEREDITARY SENSORY RADICULAR, AUTOSOMAL RECESSIVE; NEUROPATHY, HEREDITARY SENSORY, TYPE IIA; NEUROPATHY, PROGRESSIVE SENSORY, OF CHILDREN. Identifiers: Orphanet 970, MedGen C2752089, MONDO:0024309, OMIM 201300.
Generalized epilepsy with febrile seizures plus, type 7 (GEFSP7). Also called: GEFS+, TYPE 7. Identifiers: Orphanet 36387, MedGen C2751778, MONDO:0013470, OMIM 613863.

Submission:

Labcorp Genetics (formerly Invitae), Labcorp
Classification: Uncertain significance for Neuropathy, hereditary sensory and autonomic, type 2A; Generalized epilepsy with febrile seizures plus, type 7. Last evaluated: 2018-11-13. Review status: criteria provided, single submitter. Criteria: Invitae Variant Classification Sherloc (09022015). Collection method: clinical testing. Allele origin: germline.
Comment: This variant has not been reported in the literature in individuals with SCN9A-related disease. This variant is not present in population databases (ExAC no frequency). This sequence change replaces asparagine with isoleucine at codon 1265 of the SCN9A protein (p.Asn1265Ile). The asparagine residue is highly conserved and there is a large physicochemical difference between asparagine and isoleucine. In summary, the available evidence is currently insufficient to determine the role of this variant in disease. Therefore, it has been classified as a Variant of Uncertain Significance. Algorithms developed to predict the effect of missense changes on protein structure and function are either unavailable or do not agree on the potential impact of this missense change (SIFT: "Deleterious"; PolyPhen-2: "Benign"; Align-GVGD: "Class C15").